The following is an entry in ClinVar:

ClinVar aggregate classification (germline): Conflicting classifications of pathogenicity. Review status: criteria provided, conflicting classifications (1 of 4 stars). 2 submissions from 2 submitters: Uncertain significance (1); Likely benign (1). Last evaluated 2025-09-09.

Conditions:
DICER1-related tumor predisposition. Also called: DICER1-related pleuropulmonary blastoma cancer predisposition syndrome; DICER1 syndrome. Identifiers: Orphanet 284343, MedGen C3839822, MONDO:0100216.
Hereditary cancer-predisposing syndrome. Also called: Tumor predisposition; Hereditary Cancer Syndrome; Neoplastic Syndromes, Hereditary; Hereditary neoplastic syndrome. Identifiers: Orphanet 140162, MedGen C0027672, MeSH D009386, MONDO:0015356.

Submissions (2):

Labcorp Genetics (formerly Invitae), Labcorp
Classification: Uncertain significance for DICER1-related tumor predisposition. Last evaluated: 2025-09-09. Review status: criteria provided, single submitter. Criteria: Invitae Variant Classification Sherloc (09022015). Collection method: clinical testing. Allele origin: germline.
Comment: This sequence change replaces aspartic acid, which is acidic and polar, with asparagine, which is neutral and polar, at codon 871 of the DICER1 protein (p.Asp871Asn). This variant is not present in population databases (gnomAD no frequency). This variant has not been reported in the literature in individuals affected with DICER1-related conditions. ClinVar contains an entry for this variant (Variation ID: 1019271). Invitae Evidence Modeling of protein sequence and biophysical properties (such as structural, functional, and spatial information, amino acid conservation, physicochemical variation, residue mobility, and thermodynamic stability) indicates that this missense variant is not expected to disrupt DICER1 protein function with a negative predictive value of 95%. In summary, the available evidence is currently insufficient to determine the role of this variant in disease. Therefore, it has been classified as a Variant of Uncertain Significance.

Ambry Genetics
Classification: Likely benign for Hereditary cancer-predisposing syndrome. Last evaluated: 2024-02-28. Review status: criteria provided, single submitter. Criteria: Ambry Variant Classification Scheme 2023. Collection method: clinical testing. Allele origin: germline.

NM_177438.3(DICER1):c.2611G>A (p.Asp871Asn)

Gene: DICER1 (dicer 1, ribonuclease III; minus strand). Cytogenetic location: 14q32.13.
Variant type: single nucleotide variant.
Coding change: c.2611G>A on transcript NM_177438.3 (MANE Select); coding-DNA position 2611, G replaced by A.
Protein change: p.Asp871Asn; replaces aspartic acid 871 with asparagine.
Molecular consequence: missense variant.
Genome position (GRCh38, 1-based): chr14:95,107,919, C>T on the plus strand (G>A on the coding strand, the complement: DICER1 is on the minus strand). VCF-style: chr14-95107919-C-T. GRCh37 (hg19) VCF-style: chr14-95574256-C-T.
Other names: c.2611G>A, p.Asp871Asn (NM_001195573.1, NM_001271282.3, NM_001291628.2 and 1 more transcripts); short protein forms D871N.
Identifiers: ClinVar variation 1019271 (VCV001019271.15), dbSNP rs1891592805, ClinGen allele CA390881367.
Genomic context (GRCh38, chr14:95,107,919, plus strand): 5'-AGTAAGAGATTTTTTTCTTACCAACATTAAGAGGTAGAACACAGTATGCTGAATCAGCGT[C>T]TGTAGGTTTAAATTCTAGTGCAGGTTTTTCAAGCCGAAGAATATGTGAGAATATATACTG-3'
Protein context (NP_803187.1, residues 861-881): EKPALEFKPT[Asp871Asn]ADSAYCVLPL